The following is an entry in ClinVar:

ClinVar aggregate classification (germline): Uncertain significance (1 of 4 stars; one submission).

gnomAD v4.1: 4 of 1,614,184 alleles (0.00025%); highest among the groups gnomAD compares: South Asian, 0.0044%; no homozygotes.

Submission:

GeneDx
Classification: Uncertain significance. Last evaluated: 2024-04-26. Review status: criteria provided, single submitter. Criteria: GeneDx Variant Classification Process June 2021. Collection method: clinical testing. Allele origin: germline. Affected: yes.
Comment: Reported in the published literature in a patient with congenital cataract, microphthalmos, and pseudophakia who also harbors other potentially disease-causing variants (PMID: 29770612); Not observed at significant frequency in large population cohorts (gnomAD); In silico analysis indicates that this missense variant does not alter protein structure/function; This variant is associated with the following publications: (PMID: 29770612, 32360764)

NM_001368894.2(PAX6):c.1024G>T (p.Ala342Ser)

Gene: PAX6 (paired box 6; minus strand). Cytogenetic location: 11p13.
Variant type: single nucleotide variant.
Coding change: c.1024G>T on transcript NM_001368894.2 (MANE Select); coding-DNA position 1024, G replaced by T.
Protein change: p.Ala342Ser; replaces alanine 342 with serine.
Molecular consequence: missense variant. On other transcripts: non-coding transcript variant (2).
Genome position (GRCh38, 1-based): chr11:31,793,488, C>A on the plus strand (G>T on the coding strand, the complement: PAX6 is on the minus strand). VCF-style: chr11-31793488-C-A. GRCh37 (hg19) VCF-style: chr11-31815036-C-A.
Other names: c.982G>T, p.Ala328Ser (NM_000280.6, NM_001127612.3, NM_001258464.2 and 10 more transcripts); c.1024G>T, p.Ala342Ser (NM_001258462.3, NM_001258463.2, NM_001310158.2 and 6 more transcripts); c.574G>T, p.Ala192Ser (NM_001310160.2, NM_001310161.3, NM_001368899.2 and 11 more transcripts); c.1225G>T, p.Ala409Ser (NM_001368910.2); c.1027G>T, p.Ala343Ser (NM_001368911.2); c.1099G>T, p.Ala367Ser (NM_001368918.2, NM_001368919.2); c.1057G>T, p.Ala353Ser (NM_001368920.2); c.823G>T, p.Ala275Ser (NM_001368921.2, NM_001368922.2, NM_001368923.2 and 4 more transcripts); and 2 more; short protein forms A328S, A342S, A343S, A353S, A367S, A409S, A127S, A192S.
Identifiers: ClinVar variation 3371737 (VCV003371737.1).